The following is an entry in ClinVar:

NM_004525.3(LRP2):c.9196C>A (p.His3066Asn)

Gene: LRP2 (LDL receptor related protein 2; minus strand). Cytogenetic location: 2q31.1.
Variant type: single nucleotide variant.
Coding change: c.9196C>A on transcript NM_004525.3 (MANE Select); coding-DNA position 9196, C replaced by A.
Protein change: p.His3066Asn; replaces histidine 3066 with asparagine.
Molecular consequence: missense variant.
Genome position (GRCh38, 1-based): chr2:169,188,102, G>T on the plus strand (C>A on the coding strand, the complement: LRP2 is on the minus strand). VCF-style: chr2-169188102-G-T. GRCh37 (hg19) VCF-style: chr2-170044612-G-T.
Other names: short protein forms H3066N.
Identifiers: ClinVar variation 2124650 (VCV002124650.4), dbSNP rs2545761295, ClinGen allele CA349156657.

ClinVar aggregate classification (germline): Uncertain significance (1 of 4 stars; one submission).

Submission:

Labcorp Genetics (formerly Invitae), Labcorp
Classification: Uncertain significance. Last evaluated: 2022-04-11. Review status: criteria provided, single submitter. Criteria: Invitae Variant Classification Sherloc (09022015). Collection method: clinical testing. Allele origin: germline.
Comment: This sequence change replaces histidine, which is basic and polar, with asparagine, which is neutral and polar, at codon 3066 of the LRP2 protein (p.His3066Asn). This variant is not present in population databases (gnomAD no frequency). This variant has not been reported in the literature in individuals affected with LRP2-related conditions. Advanced modeling of protein sequence and biophysical properties (such as structural, functional, and spatial information, amino acid conservation, physicochemical variation, residue mobility, and thermodynamic stability) performed at Invitae indicates that this missense variant is not expected to disrupt LRP2 protein function. In summary, the available evidence is currently insufficient to determine the role of this variant in disease. Therefore, it has been classified as a Variant of Uncertain Significance.